The following is an entry in ClinVar:

ClinVar aggregate classification (germline): Uncertain significance. Review status: criteria provided, multiple submitters, no conflicts (2 of 4 stars). 3 submissions from 3 submitters: Uncertain significance (2). 1 of the submissions does not count toward it. Last evaluated 2025-07-21.

Conditions:
GREB1L-related disorder. Also called: GREB1L-related condition.
Renal agenesis and hypodysplasia.

Allele frequency attached by ClinVar (database versions not stated): gnomAD exomes 0.00001 and 0.00003; gnomAD 0.00002; TOPMed 0.00005.
gnomAD v4.1: 22 of 1,551,458 alleles (0.0014%); highest among the groups gnomAD compares: Admixed American, 0.014%; no homozygotes.

Submissions (3):

PreventionGenetics, part of Exact Sciences
Classification: Uncertain significance for GREB1L-related condition. Last evaluated: 2025-07-21. Review status: criteria provided, single submitter. Criteria: ACMG Guidelines, 2015. Collection method: clinical testing. Allele origin: germline.
Comment: The GREB1L c.5651G>A variant is predicted to result in the amino acid substitution p.Arg1884His. This variant was reported in an individual with renal hypoplasia (Sanna-Cherchi et al. 2017. PubMed ID: 29100090). This variant is reported in 0.012% of alleles in individuals of Latino descent in gnomAD. At this time, the clinical significance of this variant is uncertain due to the absence of conclusive functional and genetic evidence.

Labcorp Genetics (formerly Invitae), Labcorp
Classification: Uncertain significance. Last evaluated: 2025-03-10. Review status: criteria provided, single submitter. Criteria: Invitae Variant Classification Sherloc (09022015). Collection method: clinical testing. Allele origin: germline.
Comment: This sequence change replaces arginine, which is basic and polar, with histidine, which is basic and polar, at codon 1884 of the GREB1L protein (p.Arg1884His). This variant is present in population databases (no rsID available, gnomAD 0.008%). This missense change has been observed in individual(s) with clinical features of GREB1L-related conditions (PMID: 29100090). This missense change has been observed in at least one individual who was not affected with GREB1L-related conditions (internal data). ClinVar contains an entry for this variant (Variation ID: 684662). An algorithm developed to predict the effect of missense changes on protein structure and function (PolyPhen-2) suggests that this variant is likely to be disruptive. In summary, the available evidence is currently insufficient to determine the role of this variant in disease. Therefore, it has been classified as a Variant of Uncertain Significance.

Yale Center for Mendelian Genomics, Yale University
Classification: association for Renal agenesis and hypodysplasia. Last evaluated: 2017-11-02. Review status: no assertion criteria provided. Collection method: literature only. Allele origin: unknown. Affected: yes. Observed: 1 heterozygote. Not counted in ClinVar's aggregate classification.

Literature cited by the submitters: PubMed 29100090 (cited by Labcorp Genetics (formerly Invitae), Labcorp and Yale Center for Mendelian Genomics, Yale University).

NM_001142966.3(GREB1L):c.5651G>A (p.Arg1884His)

Gene: GREB1L (GREB1 like retinoic acid receptor coactivator; plus strand). Cytogenetic location: 18q11.2.
Variant type: single nucleotide variant.
Coding change: c.5651G>A on transcript NM_001142966.3 (MANE Select); coding-DNA position 5651, G replaced by A.
Protein change: p.Arg1884His; replaces arginine 1884 with histidine.
Molecular consequence: missense variant.
Genome position (GRCh38, 1-based): chr18:21,522,700, G>A. VCF-style: chr18-21522700-G-A. GRCh37 (hg19) VCF-style: chr18-19102661-G-A.
Other names: c.5651G>A (NM_001142966.1); short protein forms R1884H.
Identifiers: ClinVar variation 684662 (VCV000684662.6), dbSNP rs1372640211, ClinGen allele CA401739221.